The following is an entry in ClinVar:

ClinVar aggregate classification (germline): Uncertain significance (1 of 4 stars; one submission).

Conditions:
Emery-Dreifuss muscular dystrophy 5, autosomal dominant (EDMD5). Also called: EMERY-DREIFUSS MUSCULAR DYSTROPHY 5. Identifiers: Orphanet 261, MedGen C2751805, MONDO:0013072, OMIM 612999.

Submission:

Labcorp Genetics (formerly Invitae), Labcorp
Classification: Uncertain significance for Emery-Dreifuss muscular dystrophy 5, autosomal dominant. Last evaluated: 2025-10-28. Review status: criteria provided, single submitter. Criteria: Invitae Variant Classification Sherloc (09022015). Collection method: clinical testing. Allele origin: germline.
Comment: This sequence change replaces alanine, which is neutral and non-polar, with valine, which is neutral and non-polar, at codon 819 of the SYNE2 protein (p.Ala819Val). This variant is not present in population databases (gnomAD no frequency). This variant has not been reported in the literature in individuals affected with SYNE2-related conditions. An algorithm developed to predict the effect of missense changes on protein structure and function outputs the following: PolyPhen-2: "Benign". The valine amino acid residue is found in multiple mammalian species, which suggests that this missense change does not adversely affect protein function. In summary, the available evidence is currently insufficient to determine the role of this variant in disease. Therefore, it has been classified as a Variant of Uncertain Significance.

NM_182914.3(SYNE2):c.2456C>T (p.Ala819Val)

Gene: SYNE2 (spectrin repeat containing nuclear envelope protein 2; plus strand). Cytogenetic location: 14q23.2.
Variant type: single nucleotide variant.
Coding change: c.2456C>T on transcript NM_182914.3 (MANE Select); coding-DNA position 2456, C replaced by T.
Protein change: p.Ala819Val; replaces alanine 819 with valine.
Molecular consequence: missense variant.
Genome position (GRCh38, 1-based): chr14:63,990,553, C>T. VCF-style: chr14-63990553-C-T. GRCh37 (hg19) VCF-style: chr14-64457271-C-T.
Other names: c.2456C>T, p.Ala819Val (NM_015180.6); short protein forms A819V.
Identifiers: ClinVar variation 4739991 (VCV004739991.1).